The following is an entry in ClinVar:

ClinVar aggregate classification (germline): Likely pathogenic (0 of 4 stars; one submission).

Conditions:
DEAF1-related disorder.

Submission:

PreventionGenetics, part of Exact Sciences
Classification: Likely pathogenic for DEAF1-related condition. Last evaluated: 2024-09-11. Review status: no assertion criteria provided. Collection method: clinical testing. Allele origin: germline.
Comment: The DEAF1 c.433A>T variant is predicted to result in premature protein termination (p.Lys145*). To our knowledge, this variant has not been reported in the literature or in a large population database, indicating this variant is rare. Premature termination variants in DEAF1 are associated with autosomal recessive DEAF1-related neurodevelopmental disorder, whereas de novo missense variants are associated with autosomal dominant disorder (Nabais Sá et al. 2019. PubMed ID: 30923367; McGee et al. 2023. PubMed ID: 35981081). This variant is interpreted as likely pathogenic for association with autosomal recessive disorder.

NM_021008.4(DEAF1):c.433A>T (p.Lys145Ter)

Gene: DEAF1 (DEAF1 transcription factor; minus strand). Cytogenetic location: 11p15.5.
Variant type: single nucleotide variant.
Coding change: c.433A>T on transcript NM_021008.4 (MANE Select); coding-DNA position 433, A replaced by T.
Protein change: p.Lys145Ter; replaces lysine 145 with a stop codon.
Molecular consequence: nonsense. On other transcripts: 5 prime UTR variant (1).
Genome position (GRCh38, 1-based): chr11:688,415, T>A on the plus strand (A>T on the coding strand, the complement: DEAF1 is on the minus strand). VCF-style: chr11-688415-T-A. GRCh37 (hg19) VCF-style: chr11-688415-T-A.
Other names: c.433A>T, p.Lys145Ter (NM_001293634.2); c.-294A>T (NM_001367390.1); short protein forms K145*.
Identifiers: ClinVar variation 3344065 (VCV003344065.1).